The following is an entry in ClinVar:

ClinVar aggregate classification (germline): Conflicting classifications of pathogenicity. Review status: criteria provided, conflicting classifications (1 of 4 stars). 3 submissions from 3 submitters: Uncertain significance (2); Likely benign (1). Last evaluated 2025-08-20.

Conditions:
Arrhythmogenic right ventricular dysplasia 5. Also called: Arrhythmogenic Right Ventricular Dysplasia/Cardiomyopathy 5; ARRHYTHMOGENIC RIGHT VENTRICULAR DYSPLASIA, FAMILIAL, 5. Identifiers: MedGen C1858379, MONDO:0011459, OMIM 604400.
Cardiomyopathy (CMYO). Also called: Cardiomyopathies. Identifiers: Orphanet 167848, MedGen C0878544, MONDO:0004994, HP:0001638. Inheritance: Various modes of inheritance.

Allele frequency attached by ClinVar (database versions not stated): TOPMed 0.00001.
gnomAD v4.1: 5 of 1,613,662 alleles (0.00031%); highest among the groups gnomAD compares: South Asian, 0.0033%; no homozygotes.

Submissions (3):

Color Diagnostics, LLC DBA Color Health
Classification: Likely benign for Cardiomyopathy. Last evaluated: 2025-08-20. Review status: criteria provided, single submitter. Criteria: ACMG Guidelines, 2015. Collection method: clinical testing. Allele origin: germline.

Labcorp Genetics (formerly Invitae), Labcorp
Classification: Uncertain significance for Arrhythmogenic right ventricular dysplasia 5. Last evaluated: 2024-02-17. Review status: criteria provided, single submitter. Criteria: Invitae Variant Classification Sherloc (09022015). Collection method: clinical testing. Allele origin: germline.
Comment: This sequence change replaces alanine, which is neutral and non-polar, with serine, which is neutral and polar, at codon 57 of the TMEM43 protein (p.Ala57Ser). This variant is present in population databases (rs151010429, gnomAD 0.003%). This variant has not been reported in the literature in individuals affected with TMEM43-related conditions. ClinVar contains an entry for this variant (Variation ID: 928011). Advanced modeling of protein sequence and biophysical properties (such as structural, functional, and spatial information, amino acid conservation, physicochemical variation, residue mobility, and thermodynamic stability) performed at Invitae indicates that this missense variant is not expected to disrupt TMEM43 protein function with a negative predictive value of 80%. In summary, the available evidence is currently insufficient to determine the role of this variant in disease. Therefore, it has been classified as a Variant of Uncertain Significance.

All of Us Research Program, National Institutes of Health
Classification: Uncertain significance for Arrhythmogenic right ventricular dysplasia 5. Last evaluated: 2023-12-01. Review status: criteria provided, single submitter. Criteria: ACMG Guidelines, 2015. Collection method: clinical testing. Allele origin: germline. Inheritance: Autosomal dominant inheritance. Observed: 1 variant allele, 1 heterozygote.
Comment: Variant of Uncertain Significance due to insufficient evidence: This missense variant is located in the cytoplasmic domain of the TMEM43 protein. Computational prediction tools and conservation analyses are inconclusive regarding the impact of this variant on the protein function. Computational splicing tools suggest that this variant may not impact RNA splicing. To our knowledge, functional assays have not been performed for this variant nor has this variant been reported in individuals affected with cardiovascular disorders in the literature. This variant has been identified in 1/245928 chromosomes in the general population by the Genome Aggregation Database (gnomAD). Available evidence is insufficient to determine the pathogenicity of this variant conclusively.

This study involves interpretation of variants in research participants for the purpose of population health screening. Participant phenotype was not available at the time of variant classification. Additional details can be found in publication PMID: 35346344, PMCID: PMC8962531

NM_024334.3(TMEM43):c.169G>T (p.Ala57Ser)

Gene: TMEM43 (transmembrane protein 43; plus strand). Cytogenetic location: 3p25.1.
Variant type: single nucleotide variant.
Coding change: c.169G>T on transcript NM_024334.3 (MANE Select); coding-DNA position 169, G replaced by T.
Protein change: p.Ala57Ser; replaces alanine 57 with serine.
Molecular consequence: missense variant.
Genome position (GRCh38, 1-based): chr3:14,130,828, G>T. VCF-style: chr3-14130828-G-T. GRCh37 (hg19) VCF-style: chr3-14172328-G-T.
Other names: short protein forms A57S.
Identifiers: ClinVar variation 928011 (VCV000928011.14), dbSNP rs151010429, ClinGen allele CA052070.
Genomic context (GRCh38, chr3:14,130,828, plus strand): 5'-GTCATGCTGAGCCACCCCTGAGCTGTTGAAATCCCCACTCCCCTTTGCTCCCAGGGCCGC[G>T]CATTGAAGACGGCAACCTCATTGGCTGAGGGGCTCTCGCTTGTGGTGTCTCCCGACAGCA-3'
Protein context (NP_077310.1, residues 47-67): FYLIFTNEGR[Ala57Ser]LKTATSLAEG